The following is an entry in ClinVar:

NM_004713.6(NEMF):c.2832G>A (p.Pro944=)

Gene: NEMF (nuclear export mediator factor; minus strand). Cytogenetic location: 14q21.3.
Variant type: single nucleotide variant.
Coding change: c.2832G>A on transcript NM_004713.6 (MANE Select); coding-DNA position 2832, G replaced by A.
Protein change: p.Pro944=; no amino-acid change (proline 944 retained).
Molecular consequence: synonymous variant.
Genome position (GRCh38, 1-based): chr14:49,789,209, C>T on the plus strand (G>A on the coding strand, the complement: NEMF is on the minus strand). VCF-style: chr14-49789209-C-T. GRCh37 (hg19) VCF-style: chr14-50255927-C-T.
Other names: c.2769G>A, p.Pro923= (NM_001301732.3).
Identifiers: ClinVar variation 3058114 (VCV003058114.2), dbSNP rs562458907, ClinGen allele CA7174820.

ClinVar aggregate classification (germline): Likely benign (0 of 4 stars; one submission).

Conditions:
NEMF-related disorder. Also called: NEMF-related condition.

Allele frequency attached by ClinVar (database versions not stated): gnomAD 0.00002; TOPMed 0.00002; ExAC 0.00007.
gnomAD v4.1: 40 of 1,613,982 alleles (0.0025%); highest among the groups gnomAD compares: East Asian, 0.04%; no homozygotes.

Submission:

PreventionGenetics, part of Exact Sciences
Classification: Likely benign for NEMF-related condition. Last evaluated: 2019-02-20. Review status: no assertion criteria provided. Collection method: clinical testing. Allele origin: germline.
Comment: This variant is classified as likely benign based on ACMG/AMP sequence variant interpretation guidelines (Richards et al. 2015 PMID: 25741868, with internal and published modifications).